The following is an entry in ClinVar:

ClinVar aggregate classification (germline): Uncertain significance (1 of 4 stars; one submission).

Conditions:
POLD1-related polyposis and colorectal cancer syndrome (CRCS10). Also called: COLORECTAL CANCER, SUSCEPTIBILITY TO, ON CHROMOSOME 19q; Colorectal cancer 10; Colorectal cancer, susceptibility to, 10. Identifiers: Orphanet 220460, MedGen C2675481, MONDO:0012953, OMIM 612591.

Submission:

Labcorp Genetics (formerly Invitae), Labcorp
Classification: Uncertain significance for POLD1-related polyposis and colorectal cancer syndrome. Last evaluated: 2025-03-19. Review status: criteria provided, single submitter. Criteria: Invitae Variant Classification Sherloc (09022015). Collection method: clinical testing. Allele origin: germline.
Comment: This sequence change replaces aspartic acid, which is acidic and polar, with glycine, which is neutral and non-polar, at codon 257 of the POLD1 protein (p.Asp257Gly). This variant is not present in population databases (gnomAD no frequency). This variant has not been reported in the literature in individuals affected with POLD1-related conditions. Invitae Evidence Modeling of protein sequence and biophysical properties (such as structural, functional, and spatial information, amino acid conservation, physicochemical variation, residue mobility, and thermodynamic stability) indicates that this missense variant is expected to disrupt POLD1 protein function with a positive predictive value of 80%. In summary, the available evidence is currently insufficient to determine the role of this variant in disease. Therefore, it has been classified as a Variant of Uncertain Significance.

NM_002691.4(POLD1):c.770A>G (p.Asp257Gly)

Gene: POLD1 (DNA polymerase delta 1, catalytic subunit; plus strand). Cytogenetic location: 19q13.33.
Variant type: single nucleotide variant.
Coding change: c.770A>G on transcript NM_002691.4 (MANE Select); coding-DNA position 770, A replaced by G.
Protein change: p.Asp257Gly; replaces aspartic acid 257 with glycine.
Molecular consequence: missense variant. On other transcripts: non-coding transcript variant (1).
Genome position (GRCh38, 1-based): chr19:50,402,465, A>G. VCF-style: chr19-50402465-A-G. GRCh37 (hg19) VCF-style: chr19-50905722-A-G.
Other names: c.770A>G, p.Asp257Gly (NM_001256849.1, NM_001308632.1, NM_001438210.1 and 3 more transcripts); short protein forms D257G.
Identifiers: ClinVar variation 4740464 (VCV004740464.1).